The following is an entry in ClinVar:

NM_000051.4(ATM):c.3284+1G>A

Gene: ATM (ATM serine/threonine kinase; plus strand). Cytogenetic location: 11q22.3.
Variant type: single nucleotide variant.
Coding change: c.3284+1G>A on transcript NM_000051.4 (MANE Select); the canonical splice donor site of the intron after coding-DNA position 3284, G replaced by A.
Molecular consequence: splice donor variant.
Genome position (GRCh38, 1-based): chr11:108,272,853, G>A. VCF-style: chr11-108272853-G-A. GRCh37 (hg19) VCF-style: chr11-108143580-G-A.
Other names: c.3284+1G>A (NM_001351834.2).
Identifiers: ClinVar variation 219508 (VCV000219508.22), dbSNP rs864622129, ClinGen allele CA350813.

ClinVar aggregate classification (germline): Pathogenic/Likely pathogenic. Review status: criteria provided, multiple submitters, no conflicts (2 of 4 stars). 8 submissions from 8 submitters: Pathogenic (1); Likely pathogenic (6). 1 of the submissions does not count toward it. Last evaluated 2025-12-29.

Conditions:
Hereditary cancer-predisposing syndrome. Also called: Tumor predisposition; Hereditary Cancer Syndrome; Neoplastic Syndromes, Hereditary; Hereditary neoplastic syndrome. Identifiers: Orphanet 140162, MedGen C0027672, MeSH D009386, MONDO:0015356.
Familial cancer of breast. Also called: Hereditary breast cancer; BREAST CANCER, FAMILIAL; hereditary breast carcinoma. Identifiers: Orphanet 227535, MedGen C0346153, MONDO:0016419, OMIM 114480. Disease mechanism: loss of function.
Ataxia-telangiectasia syndrome (AT). Also called: Cerebello-oculocutaneous telangiectasia; Immunodeficiency with ataxia telangiectasia; Ataxia telangiectasia (A-T); LOUIS-BAR SYNDROME; ATAXIA-TELANGIECTASIA, COMPLEMENTATION GROUP A; ATAXIA-TELANGIECTASIA, FRESNO VARIANT. Identifiers: Orphanet 100, MedGen C0004135, MONDO:0008840, OMIM 208900.

Submissions (8):

Center for Genomic Medicine, Rigshospitalet, Copenhagen University Hospital
Classification: Pathogenic. Last evaluated: 2025-12-29. Review status: criteria provided, single submitter. Criteria: ACMG Guidelines, 2015. Collection method: clinical testing. Allele origin: germline.
Comment: Classification criteria: PVS1, PM2_Supporting, PM3_Supporting

Women's Health and Genetics/Laboratory Corporation of America, LabCorp
Classification: Likely pathogenic for Ataxia-telangiectasia syndrome. Last evaluated: 2025-07-10. Review status: criteria provided, single submitter. Criteria: LabCorp Variant Classification Summary - May 2015. Collection method: clinical testing. Allele origin: germline.
Comment: Variant summary: ATM c.3284+1G>A is located in a canonical splice-site and is predicted to affect mRNA splicing resulting in a significantly altered protein due to either exon skipping, shortening, or inclusion of intronic material. Variants that disrupt the consensus splice site are a relatively common cause of aberrant splicing and loss of ATM function. Several computational tools predict a significant impact on normal splicing: Three predict the variant abolishes a 5' splicing donor site. However, these predictions have yet to be confirmed by functional studies. The variant was absent in 251026 control chromosomes. c.3284+1G>A has been observed in a homozygous individual affected with Ataxia-telangiectasia syndrome (Micol_2011). These data indicate that the variant is likely associated with disease. To our knowledge, no experimental evidence demonstrating an impact on protein function has been reported. The following publication has been ascertained in the context of this evaluation (PMID: 21665257). ClinVar contains an entry for this variant (Variation ID: 219508). Based on the evidence outlined above, the variant was classified as likely pathogenic for Ataxia-telangiectasia syndrome, and breast and prostate cancer.

Labcorp Genetics (formerly Invitae), Labcorp
Classification: Likely pathogenic for Ataxia-telangiectasia syndrome. Last evaluated: 2025-07-08. Review status: criteria provided, single submitter. Criteria: Invitae Variant Classification Sherloc (09022015). Collection method: clinical testing. Allele origin: germline.
Comment: This sequence change affects a donor splice site in intron 22 of the ATM gene. RNA analysis indicates that disruption of this splice site induces altered splicing and may result in an absent or altered protein product. This variant is not present in population databases (gnomAD no frequency). Disruption of this splice site has been observed in individual(s) with autosomal recessive ataxia-telangiectasia (A-T) (PMID: 21665257). This variant is also known as IVS25+1G>A. ClinVar contains an entry for this variant (Variation ID: 219508). Studies have shown that disruption of this splice site results in skipping of exon 22, and produces a non-functional protein and/or introduces a premature termination codon (internal data). In summary, the currently available evidence indicates that the variant is pathogenic, but additional data are needed to prove that conclusively. Therefore, this variant has been classified as Likely Pathogenic.

Ambry Genetics
Classification: Likely pathogenic for Hereditary cancer-predisposing syndrome. Last evaluated: 2025-05-27. Review status: criteria provided, single submitter. Criteria: Ambry Variant Classification Scheme 2023. Collection method: clinical testing. Allele origin: germline.
Comment: The c.3284+1G>A intronic variant results from a G to A substitution of one nucleotide after coding exon 21 of the ATM gene. In one study, this variant was reported in 3/60,466 breast cancer cases and in 0/53,461 controls (Dorling et al. N Engl J Med. 2021 02;384:428-439). This alteration was identified homozygous in an individual with autosomal recessive ataxia-telangiectasia (Micol R et al. J Allergy Clin Immunol, 2011 Aug;128:382-9.e1). Of note, this alteration is also designated as "IVS25+1G>A" in published literature. This variant is considered to be rare based on population cohorts in the Genome Aggregation Database (gnomAD). This nucleotide position is highly conserved in available vertebrate species. In silico splice site analysis predicts that this alteration will weaken the native splice donor site. RNA studies have demonstrated that this alteration results in abnormal splicing in the set of samples tested (Ambry internal data). Alterations that disrupt the canonical splice site are expected to cause aberrant splicing, resulting in an abnormal protein or a transcript that is subject to nonsense-mediated mRNA decay. As such, this alteration is classified as likely pathogenic.

Color Diagnostics, LLC DBA Color Health
Classification: Likely pathogenic for Hereditary cancer-predisposing syndrome. Last evaluated: 2025-03-10. Review status: criteria provided, single submitter. Criteria: ACMG Guidelines, 2015. Collection method: clinical testing. Allele origin: germline.
Comment: This variant causes a G>A nucleotide substitution at the +1 position of intron 22 of the ATM gene. Splice site prediction tools suggest that this variant may have a significant impact on RNA splicing. Although this prediction has not been confirmed in published RNA studies, this variant is expected to result in an absent or disrupted protein product. In an international breast cancer case-control meta-analysis, this variant was detected in 3/60466 cases and absent in 53461 unaffected controls (PMID: 33471991). This variant has not been identified in the general population by the Genome Aggregation Database (gnomAD). Based on the available evidence, this variant is classified as Likely Pathogenic.

Myriad Genetics, Inc.
Classification: Likely pathogenic for Familial cancer of breast. Last evaluated: 2024-01-19. Review status: criteria provided, single submitter. Criteria: Myriad Autosomal Dominant, Autosomal Recessive and X-Linked Classification Criteria (2023). Collection method: clinical testing. Allele origin: unknown.
Comment: This variant is considered likely pathogenic. This variant occurs within a consensus splice junction and is predicted to result in abnormal mRNA splicing of either an out-of-frame exon or an in-frame exon necessary for protein stability and/or normal function.

GeneDx
Classification: Likely pathogenic. Last evaluated: 2018-05-18. Review status: criteria provided, single submitter. Criteria: GeneDx Variant Classification (06012015). Collection method: clinical testing. Allele origin: germline. Affected: yes.
Comment: This variant is denoted ATM c.3284+1G>A or IVS22+1G>A and consists of a G>A nucleotide substitution at the +1 position of intron 22 of the ATM gene. This variant destroys a canonical splice donor site and is predicted to cause abnormal gene splicing, leading to either an abnormal message that is subject to nonsense-mediated mRNA decay or to an abnormal protein product. This variant has not, to our knowledge, been published in the literature as a pathogenic or benign germline variant. Based on the current evidence, we consider ATM 3284+1G>A to be a likely pathogenic variant.

Counsyl
Classification: Likely pathogenic for Ataxia-telangiectasia syndrome. Last evaluated: 2016-10-19. Review status: no assertion criteria provided. Collection method: clinical testing. Allele origin: unknown. Not counted in ClinVar's aggregate classification.

Literature cited by the submitters: PubMed 33471991 (cited by 3 submitters); PubMed 21665257 (cited by 4 submitters).